The following is an entry in ClinVar:

NM_001348323.3(TRIP12):c.4036C>T (p.Gln1346Ter)

Gene: TRIP12 (thyroid hormone receptor interactor 12; minus strand). Cytogenetic location: 2q36.3.
Variant type: single nucleotide variant.
Coding change: c.4036C>T on transcript NM_001348323.3 (MANE Select); coding-DNA position 4036, C replaced by T.
Protein change: p.Gln1346Ter; replaces glutamine 1346 with a stop codon.
Molecular consequence: nonsense.
Genome position (GRCh38, 1-based): chr2:229,793,078, G>A on the plus strand (C>T on the coding strand, the complement: TRIP12 is on the minus strand). VCF-style: chr2-229793078-G-A. GRCh37 (hg19) VCF-style: chr2-230657794-G-A.
Other names: c.3955C>T, p.Gln1319Ter (NM_001284214.2, NM_001348315.2); c.3910C>T, p.Gln1304Ter (NM_001284215.2, NM_001348316.2); c.3001C>T, p.Gln1001Ter (NM_001284216.2); c.3895C>T, p.Gln1299Ter (NM_001348317.1, NM_001348318.2); c.4021C>T, p.Gln1341Ter (NM_001348319.1, NM_001348320.2); c.4024C>T, p.Gln1342Ter (NM_001348321.1); c.4036C>T, p.Gln1346Ter (NM_001348322.1, NM_001348324.2, NM_001348325.2 and 2 more transcripts); c.4039C>T, p.Gln1347Ter (NM_001348328.1, NM_001348329.2, NM_001348330.2); and 4 more; short protein forms Q1271*, Q1319*, Q1347*, Q1272*, Q1304*, Q1001*, Q1299*, Q1320*.
Identifiers: ClinVar variation 488911 (VCV000488911.2), dbSNP rs1553610240, ClinGen allele CA350902316.

ClinVar aggregate classification (germline): Pathogenic (1 of 4 stars; one submission).

Submission:

GeneDx
Classification: Pathogenic. Last evaluated: 2017-11-24. Review status: criteria provided, single submitter. Criteria: GeneDx Variant Classification (06012015). Collection method: clinical testing. Allele origin: germline. Affected: yes.
Comment: The Q1271X variant in the TRIP12 gene has not been reported previously as a pathogenic variant nor as a benign variant, to our knowledge. This variant is predicted to cause loss of normal protein function either through protein truncation or nonsense-mediated mRNA decay. The Q1271X variant is not observed in large population cohorts (Lek et al., 2016). We interpret Q1271X as a pathogenic variant.